The following is an entry in ClinVar:

NM_001384125.1(BLTP1):c.4655C>T (p.Ser1552Phe)

Gene: BLTP1 (bridge-like lipid transfer protein family member 1; plus strand). Cytogenetic location: 4q27.
Variant type: single nucleotide variant.
Coding change: c.4655C>T on transcript NM_001384125.1 (MANE Select); coding-DNA position 4655, C replaced by T.
Protein change: p.Ser1552Phe; replaces serine 1552 with phenylalanine.
Molecular consequence: missense variant.
Genome position (GRCh38, 1-based): chr4:122,240,337, C>T. VCF-style: chr4-122240337-C-T. GRCh37 (hg19) VCF-style: chr4-123161492-C-T.
Other names: c.4655C>T, p.Ser1552Phe (NM_015312.4); short protein forms S1552F.
Identifiers: ClinVar variation 4538866 (VCV004538866.1).

ClinVar aggregate classification (germline): Uncertain significance (1 of 4 stars; one submission).

gnomAD v4.1: 1 of 1,613,440 alleles (0.000062%); highest among the groups gnomAD compares: African/African-American, 0.0013%; no homozygotes.

Submission:

GeneDx
Classification: Uncertain significance. Last evaluated: 2025-06-17. Review status: criteria provided, single submitter. Criteria: GeneDx Variant Classification Process June 2021. Collection method: clinical testing. Allele origin: germline. Affected: yes.
Comment: Not observed at significant frequency in large population cohorts (gnomAD); In silico analysis suggests that this missense variant does not alter protein structure/function; Has not been previously published as pathogenic or benign to our knowledge